The following is an entry in ClinVar:

ClinVar aggregate classification (germline): Likely benign. Review status: criteria provided, multiple submitters, no conflicts (2 of 4 stars). 3 submissions from 3 submitters: Likely benign (2). 1 of the submissions does not count toward it. Last evaluated 2025-02-14.

Conditions:
Sclerosteosis 1 (SOST1). Also called: CORTICAL HYPEROSTOSIS WITH SYNDACTYLY. Identifiers: Orphanet 3152, MedGen C4551483, MONDO:0010016, OMIM 269500.
SOST-related disorder. Also called: SOST-related condition.

Allele frequency attached by ClinVar (database versions not stated): gnomAD 0.00011 and 0.00013; gnomAD exomes 0.00014 and 0.00053; 1000 Genomes Project 30x 0.00016; 1000 Genomes Project 0.00020; TOPMed 0.00033; ExAC 0.00049.
gnomAD v4.1: 224 of 1,614,112 alleles (0.014%); highest among the groups gnomAD compares: Admixed American, 0.19%; no homozygotes.

Submissions (3):

Labcorp Genetics (formerly Invitae), Labcorp
Classification: Likely benign. Last evaluated: 2025-02-14. Review status: criteria provided, single submitter. Criteria: Invitae Variant Classification Sherloc (09022015). Collection method: clinical testing. Allele origin: germline.

Illumina Laboratory Services, Illumina
Classification: Likely benign for Sclerosteosis 1. Last evaluated: 2018-01-12. Review status: criteria provided, single submitter. Criteria: ICSL Variant Classification Criteria 13 December 2019. Collection method: clinical testing. Allele origin: germline.
Comment: This variant was observed in the ICSL laboratory as part of a predisposition screen in an ostensibly healthy population. It had not been previously curated by ICSL or reported in the Human Gene Mutation Database (HGMD: prior to June 1st, 2018), and was therefore a candidate for classification through an automated scoring system. Utilizing variant allele frequency, disease prevalence and penetrance estimates, and inheritance mode, an automated score was calculated to assess if this variant is too frequent to cause the disease. Based on the score and internal cut-off values, a variant classified as likely benign is not then subjected to further curation. The score for this variant resulted in a classification of likely benign for this disease.

PreventionGenetics, part of Exact Sciences
Classification: Likely benign for SOST-related condition. Last evaluated: 2023-08-14. Review status: no assertion criteria provided. Collection method: clinical testing. Allele origin: germline. Not counted in ClinVar's aggregate classification.
Comment: This variant is classified as likely benign based on ACMG/AMP sequence variant interpretation guidelines (Richards et al. 2015 PMID: 25741868, with internal and published modifications).

NM_025237.3(SOST):c.56G>A (p.Arg19His)

Gene: SOST (sclerostin; minus strand). Cytogenetic location: 17q21.31.
Variant type: single nucleotide variant.
Coding change: c.56G>A on transcript NM_025237.3 (MANE Select); coding-DNA position 56, G replaced by A.
Protein change: p.Arg19His; replaces arginine 19 with histidine.
Molecular consequence: missense variant.
Genome position (GRCh38, 1-based): chr17:43,758,686, C>T on the plus strand (G>A on the coding strand, the complement: SOST is on the minus strand). VCF-style: chr17-43758686-C-T. GRCh37 (hg19) VCF-style: chr17-41836054-C-T.
Other names: short protein forms R19H.
Identifiers: ClinVar variation 890596 (VCV000890596.13), dbSNP rs199514554, ClinGen allele CA8592895.